The following is an entry in ClinVar:

ClinVar aggregate classification (germline): Uncertain significance (1 of 4 stars; one submission).

Allele frequency attached by ClinVar (database versions not stated): ExAC 0.00001; TOPMed 0.00001; ESP Exome Variant Server 0.00009.

Submission:

Labcorp Genetics (formerly Invitae), Labcorp
Classification: Uncertain significance. Last evaluated: 2025-11-18. Review status: criteria provided, single submitter. Criteria: Invitae Variant Classification Sherloc (09022015). Collection method: clinical testing. Allele origin: germline.
Comment: This sequence change replaces cysteine, which is neutral and slightly polar, with tyrosine, which is neutral and polar, at codon 592 of the POLA1 protein (p.Cys592Tyr). The frequency data for this variant in the population databases is considered unreliable, as metrics indicate poor data quality at this position in the gnomAD database. This variant has not been reported in the literature in individuals affected with POLA1-related conditions. ClinVar contains an entry for this variant (Variation ID: 1987329). Invitae Evidence Modeling of protein sequence and biophysical properties (such as structural, functional, and spatial information, amino acid conservation, physicochemical variation, residue mobility, and thermodynamic stability) indicates that this missense variant is expected to disrupt POLA1 protein function with a positive predictive value of 80%. In summary, the available evidence is currently insufficient to determine the role of this variant in disease. Therefore, it has been classified as a Variant of Uncertain Significance.

NM_001330360.2(POLA1):c.1793G>A (p.Cys598Tyr)

Gene: POLA1 (DNA polymerase alpha 1, catalytic subunit; plus strand). Cytogenetic location: Xp22.11.
Variant type: single nucleotide variant.
Coding change: c.1793G>A on transcript NM_001330360.2 (MANE Select); coding-DNA position 1793, G replaced by A.
Protein change: p.Cys598Tyr; replaces cysteine 598 with tyrosine.
Molecular consequence: missense variant. On other transcripts: non-coding transcript variant (1).
Genome position (GRCh38, 1-based): chrX:24,733,776, G>A. VCF-style: chrX-24733776-G-A. GRCh37 (hg19) VCF-style: chrX-24751893-G-A.
Other names: c.1718G>A, p.Cys573Tyr (NM_001378303.1); c.1775G>A, p.Cys592Tyr (NM_016937.4); short protein forms C592Y, C573Y, C598Y.
Identifiers: ClinVar variation 1987329 (VCV001987329.4), dbSNP rs373842557, ClinGen allele CA10373036.